The following is an entry in ClinVar:

NM_206933.4(USH2A):c.4251G>T (p.Gln1417His)

Genes: USH2A (usherin; minus strand), USH2A-AS1 (USH2A antisense RNA 1; plus strand). Cytogenetic location: 1q41.
Variant type: single nucleotide variant.
Coding change: c.4251G>T on transcript NM_206933.4 (MANE Select); coding-DNA position 4251, G replaced by T.
Protein change: p.Gln1417His; replaces glutamine 1417 with histidine.
Molecular consequence: missense variant.
Genome position (GRCh38, 1-based): chr1:216,196,553, C>A on the plus strand (G>T on the coding strand, the complement: USH2A is on the minus strand). VCF-style: chr1-216196553-C-A. GRCh37 (hg19) VCF-style: chr1-216369895-C-A.
Other names: c.4251G>T, p.Gln1417His (NM_007123.6); short protein forms Q1417H.
Identifiers: ClinVar variation 1051986 (VCV001051986.19), dbSNP rs2102460239, ClinGen allele CA344866062.
Genomic context (GRCh38, chr1:216,196,553, plus strand): 5'-AAATGTCCAAATGAAGCCCTAAGCCAATTCTGAAAGGACATTAGTTAAAAATAACAATAC[C>A]TGTGAAAACGCCATGGGAATAGACTGTTGAGGTGATTGTTCAGAAAGCATATTGATGTCA-3'
Protein context (NP_996816.3, residues 1407-1427): PQQSIPMAFS[Gln1417His]LLHTAKSQEL

ClinVar aggregate classification (germline): Pathogenic/Likely pathogenic. Review status: criteria provided, multiple submitters, no conflicts (2 of 4 stars). 8 submissions from 7 submitters: Pathogenic (1); Likely pathogenic (4). 3 of the submissions do not count toward it. Last evaluated 2025-07-18.

Conditions:
Retinal dystrophy. Also called: Inherited retinal dystrophy. Identifiers: Orphanet 71862, MedGen C0854723, MeSH D058499, MONDO:0019118, HP:0000556.
Usher syndrome. Also called: Usher Syndromes; Usher's syndrome. Identifiers: Orphanet 886, MedGen CN469326, MeSH D052245, MONDO:0019501. Disease mechanism: loss of function.
Usher syndrome type 2A. Also called: RETINAL DISEASE IN USHER SYNDROME TYPE IIA, MODIFIER OF; USHER SYNDROME, TYPE IIA. Identifiers: Orphanet 231178, Orphanet 886, MedGen C1848634, MONDO:0010169, OMIM 276901.
Retinitis pigmentosa 39 (RP39). Identifiers: Orphanet 791, MedGen C3151138, MONDO:0013436, OMIM 613809.
USH2A-related disorder. Also called: USH2A-related disorders; USH2A-related condition. Identifiers: MedGen CN239332.

Submissions (8):

Women's Health and Genetics/Laboratory Corporation of America, LabCorp
Classification: Likely pathogenic for Usher syndrome. Last evaluated: 2025-07-18. Review status: criteria provided, single submitter. Criteria: LabCorp Variant Classification Summary - May 2015. Collection method: clinical testing. Allele origin: germline.
Comment: Variant summary: USH2A c.4251G>T (p.Gln1417His) results in a non-conservative amino acid change in the encoded protein sequence. Algorithms developed to predict the effect of missense changes on protein structure and function are either unavailable or do not agree on the potential impact of this missense change. Several computational tools predict a significant impact on normal splicing: Three predict the variant abolishes a 5' splicing donor site. However, these predictions have yet to be confirmed by functional studies. The variant was absent in 250690 control chromosomes. c.4251G>T has been observed in the compound heterozygous state in individuals affected with Usher Syndrome (Cremers_2007, Zampaglione_2020, internal data). These data indicate that the variant is likely to be associated with disease. The following publications have been ascertained in the context of this evaluation (PMID: 16963483, 3203739). ClinVar contains an entry for this variant (Variation ID: 1051986). Based on the evidence outlined above, the variant was classified as likely pathogenic.

Fulgent Genetics
Classification: Likely pathogenic for Usher syndrome type 2A; Retinitis pigmentosa 39. Last evaluated: 2024-06-17. Review status: criteria provided, single submitter. Criteria: ACMG Guidelines, 2015. Collection method: clinical testing. Allele origin: germline.

Labcorp Genetics (formerly Invitae), Labcorp
Classification: Pathogenic. Last evaluated: 2024-05-20. Review status: criteria provided, single submitter. Criteria: Invitae Variant Classification Sherloc (09022015). Collection method: clinical testing. Allele origin: germline.
Comment: This sequence change affects codon 1417 of the USH2A mRNA. It is a 'silent' change, meaning that it does not change the encoded amino acid sequence of the USH2A protein. This variant also falls at the last nucleotide of exon 19, which is part of the consensus splice site for this exon. This variant is not present in population databases (gnomAD no frequency). This variant has been observed in individual(s) with clinical features of USH2A-related conditions (PMID: 16963483, 32037395; Invitae). In at least one individual the data is consistent with being in trans (on the opposite chromosome) from a pathogenic variant. ClinVar contains an entry for this variant (Variation ID: 1051986). An algorithm developed to predict the effect of missense changes on protein structure and function (PolyPhen-2) suggests that this variant is likely to be tolerated. Variants that disrupt the consensus splice site are a relatively common cause of aberrant splicing (PMID: 17576681, 9536098). Algorithms developed to predict the effect of sequence changes on RNA splicing suggest that this variant may disrupt the consensus splice site. For these reasons, this variant has been classified as Pathogenic.

Blueprint Genetics
Classification: Likely pathogenic for USH2A-related disorders. Last evaluated: 2023-11-07. Review status: criteria provided, single submitter. Criteria: ACMG Guidelines, 2015. Collection method: clinical testing. Allele origin: germline. Affected: yes. Observed: 1 variant allele.

Institute of Human Genetics, Univ. Regensburg, Univ. Regensburg
Classification: Likely pathogenic for Retinal dystrophy. Last evaluated: 2016-01-01. Review status: criteria provided, single submitter. Criteria: ACMG Guidelines, 2015. Collection method: clinical testing. Allele origin: germline. Affected: yes.

Genome-Nilou Lab
Classification: Uncertain significance for Usher syndrome type 2A. Last evaluated: 2021-07-22. Review status: flagged submission. Criteria: ACMG Guidelines, 2015. Collection method: clinical testing. Allele origin: germline. Affected: no. Not counted in ClinVar's aggregate classification.
ClinVar note: Reason: Claim with insufficient supporting evidence

Genome-Nilou Lab
Classification: Uncertain significance for Retinitis pigmentosa 39. Last evaluated: 2021-07-22. Review status: flagged submission. Criteria: ACMG Guidelines, 2015. Collection method: clinical testing. Allele origin: germline. Affected: no. Not counted in ClinVar's aggregate classification.
ClinVar note: Reason: Claim with insufficient supporting evidence

Natera, Inc.
Classification: Uncertain significance for Usher syndrome type 2A. Last evaluated: 2021-02-25. Review status: flagged submission. Collection method: clinical testing. Allele origin: germline. Not counted in ClinVar's aggregate classification.
ClinVar note: Reason: Claim with insufficient supporting evidence

Literature cited by the submitters: PubMed 16963483 (cited by 3 submitters); PubMed 32037395 (cited by Women's Health and Genetics/Laboratory Corporation of America, LabCorp and Labcorp Genetics (formerly Invitae), Labcorp); PubMed 17576681 (cited by Labcorp Genetics (formerly Invitae), Labcorp); PubMed 9536098 (cited by Labcorp Genetics (formerly Invitae), Labcorp); PubMed 3203739 (cited by Institute of Human Genetics, Univ. Regensburg, Univ. Regensburg).